The following is an entry in ClinVar:

ClinVar aggregate classification (germline): Uncertain significance. Review status: criteria provided, multiple submitters, no conflicts (2 of 4 stars). 3 submissions from 3 submitters: Uncertain significance (3). Last evaluated 2025-05-05.

Conditions:
Familial sleep-related hypermotor epilepsy. Also called: Autosomal Dominant Sleep-Related Hypermotor (Hyperkinetic) Epilepsy. Identifiers: Orphanet 98784, MedGen C3696898, MONDO:0000030.
Inborn genetic diseases. Identifiers: MedGen C0950123, MeSH D030342.

Allele frequency attached by ClinVar (database versions not stated): gnomAD exomes below 0.00001; ExAC 0.00001; gnomAD 0.00001; ESP Exome Variant Server 0.00008.
gnomAD v4.1: 1 of 1,614,076 alleles (0.000062%); highest among the groups gnomAD compares: Non-Finnish European, 0.000085%; no homozygotes.

Submissions (3):

Labcorp Genetics (formerly Invitae), Labcorp
Classification: Uncertain significance. Last evaluated: 2025-05-05. Review status: criteria provided, single submitter. Criteria: Invitae Variant Classification Sherloc (09022015). Collection method: clinical testing. Allele origin: germline.
Comment: This sequence change replaces glutamic acid, which is acidic and polar, with aspartic acid, which is acidic and polar, at codon 74 of the CHRNB2 protein (p.Glu74Asp). This variant is present in population databases (rs368583539, gnomAD 0.0009%). This variant has not been reported in the literature in individuals affected with CHRNB2-related conditions. ClinVar contains an entry for this variant (Variation ID: 590017). Invitae Evidence Modeling of protein sequence and biophysical properties (such as structural, functional, and spatial information, amino acid conservation, physicochemical variation, residue mobility, and thermodynamic stability) indicates that this missense variant is not expected to disrupt CHRNB2 protein function with a negative predictive value of 80%. In summary, the available evidence is currently insufficient to determine the role of this variant in disease. Therefore, it has been classified as a Variant of Uncertain Significance.

GeneDx
Classification: Uncertain significance. Last evaluated: 2024-08-21. Review status: criteria provided, single submitter. Criteria: GeneDx Variant Classification Process June 2021. Collection method: clinical testing. Allele origin: germline. Affected: yes.
Comment: Not observed at significant frequency in large population cohorts (gnomAD); In silico analysis indicates that this missense variant does not alter protein structure/function; Has not been previously published as pathogenic or benign to our knowledge

Ambry Genetics
Classification: Uncertain significance for Inborn genetic diseases. Last evaluated: 2024-03-01. Review status: criteria provided, single submitter. Criteria: Ambry Variant Classification Scheme 2023. Collection method: clinical testing. Allele origin: germline.

NM_000748.3(CHRNB2):c.222G>C (p.Glu74Asp)

Gene: CHRNB2 (cholinergic receptor nicotinic beta 2 subunit; plus strand). Cytogenetic location: 1q21.3.
Variant type: single nucleotide variant.
Coding change: c.222G>C on transcript NM_000748.3 (MANE Select); coding-DNA position 222, G replaced by C.
Protein change: p.Glu74Asp; replaces glutamic acid 74 with aspartic acid.
Molecular consequence: missense variant.
Genome position (GRCh38, 1-based): chr1:154,569,803, G>C. VCF-style: chr1-154569803-G-C. GRCh37 (hg19) VCF-style: chr1-154542279-G-C.
Other names: short protein forms E74D.
Identifiers: ClinVar variation 590017 (VCV000590017.8), dbSNP rs368583539, ClinGen allele CA1130664.